The following is an entry in ClinVar:

ClinVar aggregate classification (germline): Uncertain significance (1 of 4 stars; one submission).

Conditions:
Hypertrophic cardiomyopathy. Also called: HYPERTROPHIC MYOCARDIOPATHY. Identifiers: Orphanet 217569, MedGen C0007194, MeSH D002312, MONDO:0005045, HP:0001639.

Submission:

Labcorp Genetics (formerly Invitae), Labcorp
Classification: Uncertain significance for Hypertrophic cardiomyopathy. Last evaluated: 2020-11-13. Review status: criteria provided, single submitter. Criteria: Invitae Variant Classification Sherloc (09022015). Collection method: clinical testing. Allele origin: germline.
Comment: This sequence change creates a premature translational stop signal (p.Glu46*) in the MYOZ2 gene. It is expected to result in an absent or disrupted protein product. However, the current clinical and genetic evidence is not sufficient to establish whether loss-of-function variants in MYOZ2 cause disease. This variant is not present in population databases (ExAC no frequency). This variant has not been reported in the literature in individuals with MYOZ2-related conditions. In summary, the available evidence is currently insufficient to determine the role of this variant in disease. Therefore, it has been classified as a Variant of Uncertain Significance.

NM_016599.5(MYOZ2):c.136G>T (p.Glu46Ter)

Gene: MYOZ2 (myozenin 2; plus strand). Cytogenetic location: 4q26.
Variant type: single nucleotide variant.
Coding change: c.136G>T on transcript NM_016599.5 (MANE Select); coding-DNA position 136, G replaced by T.
Protein change: p.Glu46Ter; replaces glutamic acid 46 with a stop codon.
Molecular consequence: nonsense.
Genome position (GRCh38, 1-based): chr4:119,150,931, G>T. VCF-style: chr4-119150931-G-T. GRCh37 (hg19) VCF-style: chr4-120072086-G-T.
Other names: short protein forms E46*.
Identifiers: ClinVar variation 1422618 (VCV001422618.6), dbSNP rs2149221447, ClinGen allele CA358203517.